The following is an entry in ClinVar:

NM_001267550.2(TTN):c.33095-14_33095-10dup

Gene: TTN (titin; minus strand). Cytogenetic location: 2q31.2.
Variant type: Duplication.
Coding change: c.33095-14_33095-10dup on transcript NM_001267550.2 (MANE Select); 14 bases into the intron before coding-DNA position 33095 through 10 bases into the intron before coding-DNA position 33095, 5 bases duplicated (ATGTA; older notation c.33095-14_33095-10dupATGTA).
Molecular consequence: intron variant.
Genome position (GRCh38, 1-based): chr2:178,681,748-178,681,752, TACAT duplicated on the plus strand (ATGTA on the coding strand, the reverse complement: TTN is on the minus strand). VCF-style (leftmost placement, unchanged base first): chr2-178681747-G-GTACAT. GRCh37 (hg19) VCF-style: chr2-179546474-G-GTACAT.
Other names: c.13283-39435_13283-39431dup (NM_003319.4); c.13859-39435_13859-39431dup (NM_133437.4); c.13658-39435_13658-39431dup (NM_133432.3); c.29363-14_29363-10dup (NM_133378.4); c.32144-14_32144-10dup (NM_001256850.1).
Identifiers: ClinVar variation 3369812 (VCV003369812.1).
Genomic context (GRCh38, chr2:178,681,747, plus strand): 5'-GTGGGAACTGGTTCTTCTGGGACAGGCTTTACAGGGATAGGCTTCTCTGGTTCTTTAAAA[G>GTACAT]TACATACAAGGTATTTCATGTTAGACTTAGAATATAAGTTTAAACATTTCTTAAAAGGAA-3'

ClinVar aggregate classification (germline): Uncertain significance (1 of 4 stars; one submission).

Submission:

GeneDx
Classification: Uncertain significance. Last evaluated: 2024-03-05. Review status: criteria provided, single submitter. Criteria: GeneDx Variant Classification Process June 2021. Collection method: clinical testing. Allele origin: germline. Affected: yes.
Comment: Not observed at significant frequency in large population cohorts (gnomAD); Has not been previously published as pathogenic or benign to our knowledge; In silico analysis is inconclusive as to whether the variant alters gene splicing. In the absence of RNA/functional studies, the actual effect of this sequence change is unknown.